The following is an entry in ClinVar:

NM_004750.5(CRLF1):c.397+1G>A

Gene: CRLF1 (cytokine receptor like factor 1; minus strand). Cytogenetic location: 19p13.11.
Variant type: single nucleotide variant.
Coding change: c.397+1G>A on transcript NM_004750.5 (MANE Select); the canonical splice donor site of the intron after coding-DNA position 397, G replaced by A.
Molecular consequence: splice donor variant.
Genome position (GRCh38, 1-based): chr19:18,599,564, C>T on the plus strand (G>A on the coding strand, the complement: CRLF1 is on the minus strand). VCF-style: chr19-18599564-C-T. GRCh37 (hg19) VCF-style: chr19-18710374-C-T.
Identifiers: ClinVar variation 2504415 (VCV002504415.8), dbSNP rs137853932, ClinGen allele CA342063.
Genomic context (GRCh38, chr19:18,599,564, plus strand): 5'-ACTCCAGAGGGAGATGCCGCTCCCAAGAGCTACCCCTGGGGTGTCCTGGGTGCCAACTTA[C>T]GGCCAACATAGAGGCAGGAGCCAGCCAGGATGCTGCCGTCACGGGCGTGGCACACGAGGT-3'

ClinVar aggregate classification (germline): Pathogenic/Likely pathogenic. Review status: criteria provided, multiple submitters, no conflicts (2 of 4 stars). 3 submissions from 3 submitters: Pathogenic (1); Likely pathogenic (2). Last evaluated 2026-10-22.

Conditions:
Cone-rod dystrophy 12 (CORD12). Identifiers: Orphanet 1872, MedGen C2675210, MONDO:0012983, OMIM 612657.
Cold-induced sweating syndrome 1 (CISS1). Also called: CRLF1-Related Cold-Induced Sweating Syndrome including Crisponi Syndrome; MUSCLE CONTRACTIONS, TETANOFORM, WITH CHARACTERISTIC FACE, CAMPTODACTYLY, HYPERTHERMIA, AND SUDDEN DEATH; Crisponi syndrome; CRISPONI/COLD-INDUCED SWEATING SYNDROME 1. Identifiers: Orphanet 1545, Orphanet 157820, MedGen C1848947, MONDO:0010091, OMIM 272430.

Allele frequency attached by ClinVar (database versions not stated): gnomAD exomes 0.00001; TOPMed 0.00001.
gnomAD v4.1: 17 of 1,612,234 alleles (0.0011%); highest among the groups gnomAD compares: East Asian, 0.0045%; no homozygotes.

Submissions (3):

GeneDx
Classification: Likely pathogenic. Last evaluated: 2026-10-22. Review status: criteria provided, single submitter. Criteria: GeneDx Variant Classification Process June 2021. Collection method: clinical testing. Allele origin: germline.
Comment: Identified in an individual with CRLF1-related disorder, however segregation data and detailed clinical information were not provided (PMID: 24488861); Canonical splice site variant predicted to result in an in-frame loss of the adjacent exon in a gene for which loss of function is a known mechanism of disease; Not observed at significant frequency in large population cohorts (gnomAD); This variant is associated with the following publications: (PMID: 24488861, 31497877)

Genomic Medicine Center of Excellence, King Faisal Specialist Hospital and Research Centre
Classification: Pathogenic for Cold-induced sweating syndrome 1. Last evaluated: 2024-03-17. Review status: criteria provided, single submitter. Criteria: ACMG Guidelines, 2015. Collection method: research. Allele origin: germline.

Institute of Medical Genetics and Genomics, Sir Ganga Ram Hospital
Classification: Likely pathogenic for Cone-rod dystrophy 12. Last evaluated: 2023-06-22. Review status: criteria provided, single submitter. Criteria: ACMG Guidelines, 2015. Collection method: clinical testing. Allele origin: inherited. Inheritance: Autosomal recessive inheritance. Affected: yes. Observed: 1 homozygote.
Comment: Failure to thrive, bilateral CTEV and knee & finger contractures. This variant is identified in intron 2 of CRLF1 gene where loss of function is a reported mechanism with 18 pathogenic variants. This variant is predicted to cause exon 2 skipping with 10% loss of transcript however, it does not alter the reading frame. Hence, the ACMG criteria of PVS1_strong is met. The variant has not been identified yet in gnomAD database (PM2_moderate). It has been previously reported (PP5_supporting) PMID 31497877.

Literature cited by the submitters: PubMed 31497877 (cited by Institute of Medical Genetics and Genomics, Sir Ganga Ram Hospital).